The following is an entry in ClinVar:

ClinVar aggregate classification (germline): Uncertain significance (1 of 4 stars; one submission).

Allele frequency attached by ClinVar (database versions not stated): gnomAD exomes below 0.00001.
gnomAD v4.1: 2 of 1,549,694 alleles (0.00013%); highest among the groups gnomAD compares: Non-Finnish European, 0.000087%; no homozygotes.

Submission:

Labcorp Genetics (formerly Invitae), Labcorp
Classification: Uncertain significance. Last evaluated: 2023-07-17. Review status: criteria provided, single submitter. Criteria: Invitae Variant Classification Sherloc (09022015). Collection method: clinical testing. Allele origin: germline.
Comment: In summary, the available evidence is currently insufficient to determine the role of this variant in disease. Therefore, it has been classified as a Variant of Uncertain Significance. Advanced modeling of protein sequence and biophysical properties (such as structural, functional, and spatial information, amino acid conservation, physicochemical variation, residue mobility, and thermodynamic stability) has been performed at Invitae for this missense variant, however the output from this modeling did not meet the statistical confidence thresholds required to predict the impact of this variant on EYS protein function. This variant has not been reported in the literature in individuals affected with EYS-related conditions. This variant is not present in population databases (gnomAD no frequency). This sequence change replaces glutamine, which is neutral and polar, with proline, which is neutral and non-polar, at codon 2313 of the EYS protein (p.Gln2313Pro).

NM_001142800.2(EYS):c.6938A>C (p.Gln2313Pro)

Gene: EYS (EGF-like photoreceptor maintenance factor; minus strand). Cytogenetic location: 6q12.
Variant type: single nucleotide variant.
Coding change: c.6938A>C on transcript NM_001142800.2 (MANE Select); coding-DNA position 6938, A replaced by C.
Protein change: p.Gln2313Pro; replaces glutamine 2313 with proline.
Molecular consequence: missense variant.
Genome position (GRCh38, 1-based): chr6:63,984,500, T>G on the plus strand (A>C on the coding strand, the complement: EYS is on the minus strand). VCF-style: chr6-63984500-T-G. GRCh37 (hg19) VCF-style: chr6-64694393-T-G.
Other names: c.6938A>C, p.Gln2313Pro (NM_001292009.2); short protein forms Q2313P.
Identifiers: ClinVar variation 3016263 (VCV003016263.3), dbSNP rs1338918078, ClinGen allele CA364388693.